The following is an entry in ClinVar:

ClinVar aggregate classification (germline): Uncertain significance (1 of 4 stars; one submission).

Allele frequency attached by ClinVar (database versions not stated): gnomAD 0.00001; TOPMed below 0.00001.
gnomAD v4.1: 1 of 716,448 alleles (0.00014%); highest among the groups gnomAD compares: African/African-American, 0.0017%; no homozygotes.

Submission:

Women's Health and Genetics/Laboratory Corporation of America, LabCorp
Classification: Uncertain significance. Last evaluated: 2024-02-08. Review status: criteria provided, single submitter. Criteria: LabCorp Variant Classification Summary - May 2015. Collection method: clinical testing. Allele origin: germline.
Comment: Variant summary: SHANK2 c.1393G>A (p.Glu465Lys) results in a conservative amino acid change in the encoded protein sequence. Four of four in-silico tools predict a benign effect of the variant on protein function. The variant allele was found at a frequency of 1.3e-05 in 154284 control chromosomes. The available data on variant occurrences in the general population are insufficient to allow any conclusion about variant significance. To our knowledge, no occurrence of c.1393G>A in individuals affected with Autism, Susceptibility To, 17 and no experimental evidence demonstrating its impact on protein function have been reported. No submitters have cited clinical-significance assessments for this variant to ClinVar. Based on the evidence outlined above, the variant was classified as uncertain significance.

NM_012309.5(SHANK2):c.1393G>A (p.Gly465Arg)

Gene: SHANK2 (SH3 and multiple ankyrin repeat domains 2; minus strand). Cytogenetic location: 11q13.4.
Variant type: single nucleotide variant.
Coding change: c.1393G>A on transcript NM_012309.5 (MANE Select); coding-DNA position 1393, G replaced by A.
Protein change: p.Gly465Arg; replaces glycine 465 with arginine.
Molecular consequence: missense variant.
Genome position (GRCh38, 1-based): chr11:70,820,464, C>T on the plus strand (G>A on the coding strand, the complement: SHANK2 is on the minus strand). VCF-style: chr11-70820464-C-T. GRCh37 (hg19) VCF-style: chr11-70666569-C-T.
Other names: c.256G>A, p.Gly86Arg (NM_001379226.1); short protein forms G465R, G86R.
Identifiers: ClinVar variation 3069072 (VCV003069072.2), dbSNP rs1555055581, ClinGen allele CA381958934.
Genomic context (GRCh38, chr11:70,820,464, plus strand): 5'-CTGCGCCGCCCAGCCTGTTGAGCGATGGGGACCGGCTGCGGGGCCCGGGCACGTAGCTCC[C>T]AATGGTCTTCGCGGCCCCCTCGGGCTTGCTGGGCATCTGCTGCAGCAGCTGGGGTGACAG-3'
Protein context (NP_036441.2, residues 455-475): SKPEGAAKTI[Gly465Arg]SYVPGPRSRS